The following is an entry in ClinVar:

NM_006245.4(PPP2R5D):c.1481+18_1481+19delinsAA

Gene: PPP2R5D (protein phosphatase 2 regulatory subunit B'delta; plus strand). Cytogenetic location: 6p21.1.
Variant type: Indel.
Coding change: c.1481+18_1481+19delinsAA on transcript NM_006245.4 (MANE Select); bases 18 to 19 of the intron after coding-DNA position 1481, CG replaced by AA.
Molecular consequence: intron variant.
Genome position (GRCh38, 1-based): chr6:43,010,587-43,010,588, CG replaced by AA. VCF-style: chr6-43010587-CG-AA. GRCh37 (hg19) VCF-style: chr6-42978325-CG-AA.
Other names: c.1028+18_1028+19delinsAA (NM_001270476.2); c.1385+18_1385+19delinsAA (NM_180976.3); c.1163+18_1163+19delinsAA (NM_180977.3).
Identifiers: ClinVar variation 4693723 (VCV004693723.1).
Genomic context (GRCh38, chr6:43,010,587, plus strand): 5'-TGTTTGATGACTGCACACAACAATACAAGGCAGAGAAGCAGAAGTGAGTATCTCTCTCCC[CG>AA]GGAGACTTTCATCTTCTACCACCAGCTCACTGTGTTTCTCTCAAGCCCAACCCCAATCCT-3'

ClinVar aggregate classification (germline): Uncertain significance (1 of 4 stars; one submission).

Submission:

Labcorp Genetics (formerly Invitae), Labcorp
Classification: Uncertain significance. Last evaluated: 2025-10-26. Review status: criteria provided, single submitter. Criteria: Invitae Variant Classification Sherloc (09022015). Collection method: clinical testing. Allele origin: germline.
Comment: This sequence change falls in intron 13 of the PPP2R5D gene. It does not directly change the encoded amino acid sequence of the PPP2R5D protein. Information on the frequency of this variant in the gnomAD database is not available, as this variant may be reported differently in the database. This variant has not been reported in the literature in individuals affected with PPP2R5D-related conditions. Experimental studies and prediction algorithms are not available or were not evaluated, and the effect of this variant on mRNA splicing is currently unknown. In summary, the available evidence is currently insufficient to determine the role of this variant in disease. Therefore, it has been classified as a Variant of Uncertain Significance.